The following is an entry in ClinVar:

ClinVar aggregate classification (germline): Uncertain significance (1 of 4 stars; one submission).

Conditions:
Rhabdoid tumor predisposition syndrome 2 (RTPS2). Identifiers: Orphanet 231108, Orphanet 69077, MedGen C2750074, MONDO:0013224, OMIM 613325.

Submission:

Labcorp Genetics (formerly Invitae), Labcorp
Classification: Uncertain significance for Rhabdoid tumor predisposition syndrome 2. Last evaluated: 2023-04-11. Review status: criteria provided, single submitter. Criteria: Invitae Variant Classification Sherloc (09022015). Collection method: clinical testing. Allele origin: germline.
Comment: In summary, the available evidence is currently insufficient to determine the role of this variant in disease. Therefore, it has been classified as a Variant of Uncertain Significance. Advanced modeling of protein sequence and biophysical properties (such as structural, functional, and spatial information, amino acid conservation, physicochemical variation, residue mobility, and thermodynamic stability) performed at Invitae indicates that this missense variant is not expected to disrupt SMARCA4 protein function. This variant has not been reported in the literature in individuals affected with SMARCA4-related conditions. This variant is not present in population databases (gnomAD no frequency). This sequence change replaces proline, which is neutral and non-polar, with alanine, which is neutral and non-polar, at codon 7 of the SMARCA4 protein (p.Pro7Ala).

NM_003072.5(SMARCA4):c.19C>G (p.Pro7Ala)

Gene: SMARCA4 (SWI/SNF related BAF chromatin remodeling complex subunit ATPase 4; plus strand). Cytogenetic location: 19p13.2.
Variant type: single nucleotide variant.
Coding change: c.19C>G on transcript NM_003072.5 (MANE Select); coding-DNA position 19, C replaced by G.
Protein change: p.Pro7Ala; replaces proline 7 with alanine.
Molecular consequence: missense variant. On other transcripts: non-coding transcript variant (1).
Genome position (GRCh38, 1-based): chr19:10,984,170, C>G. VCF-style: chr19-10984170-C-G. GRCh37 (hg19) VCF-style: chr19-11094846-C-G.
Other names: c.19C>G, p.Pro7Ala (NM_001128844.3, NM_001128845.2, NM_001128846.2 and 6 more transcripts); short protein forms P7A.
Identifiers: ClinVar variation 2854954 (VCV002854954.3), dbSNP rs762625346, ClinGen allele CA404053882.